The following is an entry in ClinVar:

NM_000075.4(CDK4):c.871dup (p.Gln291fs)

Genes: CDK4 (cyclin dependent kinase 4; minus strand), TSPAN31 (tetraspanin 31; plus strand). Cytogenetic location: 12q14.1.
Variant type: Duplication.
Coding change: c.871dup on transcript NM_000075.4 (MANE Select); coding-DNA position 871, one base duplicated (C; older notation c.871dupC).
Protein change: p.Gln291fs; shifts the reading frame from glutamine 291.
Molecular consequence: frameshift variant. On other transcripts: 3 prime UTR variant (3).
Genome position (GRCh38, 1-based): chr12:57,748,566, G duplicated on the plus strand (C on the coding strand, the reverse complement: CDK4 is on the minus strand). VCF-style (leftmost placement, unchanged base first): chr12-57748565-T-TG. GRCh37 (hg19) VCF-style: chr12-58142348-T-TG.
Other names: c.*1276dup (NM_001330169.2, NM_005981.5, NM_001330168.2); short protein forms Q291fs.
Identifiers: ClinVar variation 952526 (VCV000952526.7), dbSNP rs1955187145, ClinGen allele CA1139662745.

ClinVar aggregate classification (germline): Uncertain significance (1 of 4 stars; one submission).

Conditions:
Familial melanoma. Also called: Hereditary melanoma; Hereditary cutaneous melanoma. Identifiers: Orphanet 618, MedGen C1512419, MONDO:0018961.

Submission:

Labcorp Genetics (formerly Invitae), Labcorp
Classification: Uncertain significance for Familial melanoma. Last evaluated: 2022-02-17. Review status: criteria provided, single submitter. Criteria: Invitae Variant Classification Sherloc (09022015). Collection method: clinical testing. Allele origin: germline.
Comment: This sequence change creates a premature translational stop signal (p.Gln291Profs*7) in the CDK4 gene. While this is not anticipated to result in nonsense mediated decay, it is expected to disrupt the last 13 amino acid(s) of the CDK4 protein. This variant is not present in population databases (gnomAD no frequency). This variant has not been reported in the literature in individuals affected with CDK4-related conditions. ClinVar contains an entry for this variant (Variation ID: 952526). In summary, the available evidence is currently insufficient to determine the role of this variant in disease. Therefore, it has been classified as a Variant of Uncertain Significance.